The following is an entry in ClinVar:

NM_018297.4(NGLY1):c.407C>G (p.Thr136Arg)

Gene: NGLY1 (N-glycanase 1; minus strand). Cytogenetic location: 3p24.2.
Variant type: single nucleotide variant.
Coding change: c.407C>G on transcript NM_018297.4 (MANE Select); coding-DNA position 407, C replaced by G.
Protein change: p.Thr136Arg; replaces threonine 136 with arginine.
Molecular consequence: missense variant.
Genome position (GRCh38, 1-based): chr3:25,764,151, G>C on the plus strand (C>G on the coding strand, the complement: NGLY1 is on the minus strand). VCF-style: chr3-25764151-G-C. GRCh37 (hg19) VCF-style: chr3-25805642-G-C.
Other names: c.407C>G, p.Thr136Arg (NM_001145293.2, NM_001145295.2); c.281C>G, p.Thr94Arg (NM_001145294.2); short protein forms T136R, T94R.
Identifiers: ClinVar variation 1388616 (VCV001388616.6), dbSNP rs2125289321, ClinGen allele CA351908867.

ClinVar aggregate classification (germline): Uncertain significance (1 of 4 stars; one submission).

Conditions:
Congenital disorder of deglycosylation (CDDG). Identifiers: MedGen C3808991, MONDO:0031376.

Submission:

Labcorp Genetics (formerly Invitae), Labcorp
Classification: Uncertain significance for Congenital disorder of deglycosylation. Last evaluated: 2025-03-31. Review status: criteria provided, single submitter. Criteria: Invitae Variant Classification Sherloc (09022015). Collection method: clinical testing. Allele origin: germline.
Comment: This sequence change replaces threonine, which is neutral and polar, with arginine, which is basic and polar, at codon 136 of the NGLY1 protein (p.Thr136Arg). This variant is not present in population databases (gnomAD no frequency). This variant has not been reported in the literature in individuals affected with NGLY1-related conditions. ClinVar contains an entry for this variant (Variation ID: 1388616). An algorithm developed to predict the effect of missense changes on protein structure and function (PolyPhen-2) suggests that this variant is likely to be tolerated. In summary, the available evidence is currently insufficient to determine the role of this variant in disease. Therefore, it has been classified as a Variant of Uncertain Significance.